The following is an entry in ClinVar:

ClinVar aggregate classification (germline): Uncertain significance (1 of 4 stars; one submission).

gnomAD v4.1: 1 of 1,612,700 alleles (0.000062%); highest among the groups gnomAD compares: Non-Finnish European, 0.000085%; no homozygotes.

Submission:

GeneDx
Classification: Uncertain significance. Last evaluated: 2024-07-24. Review status: criteria provided, single submitter. Criteria: GeneDx Variant Classification Process June 2021. Collection method: clinical testing. Allele origin: germline. Affected: yes.
Comment: Not observed at significant frequency in large population cohorts (gnomAD); Missense variant in a gene in which most reported pathogenic variants are truncating/loss of function; Has not been previously published as pathogenic or benign to our knowledge

NM_001267550.2(TTN):c.47186T>C (p.Leu15729Pro)

Genes: TTN (titin; minus strand), TTN-AS1 (TTN antisense RNA 1; plus strand). Cytogenetic location: 2q31.2.
Variant type: single nucleotide variant.
Coding change: c.47186T>C on transcript NM_001267550.2 (MANE Select); coding-DNA position 47186, T replaced by C.
Protein change: p.Leu15729Pro; replaces leucine 15729 with proline.
Molecular consequence: missense variant.
Genome position (GRCh38, 1-based): chr2:178,618,272, A>G on the plus strand (T>C on the coding strand, the complement: TTN is on the minus strand). VCF-style: chr2-178618272-A-G. GRCh37 (hg19) VCF-style: chr2-179482999-A-G.
Other names: c.42263T>C, p.Leu14088Pro (NM_001256850.1); c.19991T>C, p.Leu6664Pro (NM_003319.4); c.39482T>C, p.Leu13161Pro (NM_133378.4); c.20366T>C, p.Leu6789Pro (NM_133432.3); c.20567T>C, p.Leu6856Pro (NM_133437.4); short protein forms L13161P, L14088P, L15729P, L6664P, L6789P, L6856P.
Identifiers: ClinVar variation 3600833 (VCV003600833.1).